The following is an entry in ClinVar:

ClinVar aggregate classification (germline): Benign (1 of 4 stars; one submission).

Allele frequency attached by ClinVar (database versions not stated): 1000 Genomes Project 30x 0.22049; 1000 Genomes Project 0.22204; TOPMed 0.26282; gnomAD 0.27871 and 0.27962.
gnomAD v4.1: 42,505 of 151,920 alleles (28%); highest among the groups gnomAD compares: Middle Eastern, 37%; 6,820 homozygotes.

Submission:

GeneDx
Classification: Benign. Last evaluated: 2018-06-14. Review status: criteria provided, single submitter. Criteria: GeneDx Variant Classification (06012015). Collection method: clinical testing. Allele origin: germline. Affected: yes.
Comment: This variant is considered likely benign or benign based on one or more of the following criteria: it is a conservative change, it occurs at a poorly conserved position in the protein, it is predicted to be benign by multiple in silico algorithms, and/or has population frequency not consistent with disease.

NM_020442.6(VARS2):c.985+238G>A

Gene: VARS2 (valyl-tRNA synthetase 2, mitochondrial; plus strand). Cytogenetic location: 6p21.33.
Variant type: single nucleotide variant.
Coding change: c.985+238G>A on transcript NM_020442.6 (MANE Select); 238 bases into the intron after coding-DNA position 985, G replaced by A.
Molecular consequence: intron variant.
Genome position (GRCh38, 1-based): chr6:30,918,044, G>A. VCF-style: chr6-30918044-G-A. GRCh37 (hg19) VCF-style: chr6-30885821-G-A.
Other names: c.1075+238G>A (NM_001167734.2); c.565+238G>A (NM_001167733.3).
Identifiers: ClinVar variation 669591 (VCV000669591.1), dbSNP rs9262290, ClinGen allele CA12186948.